The following is an entry in ClinVar:

NM_003922.4(HERC1):c.5249A>G (p.Gln1750Arg)

Gene: HERC1 (HECT and RLD domain containing E3 ubiquitin protein ligase family member 1; minus strand). Cytogenetic location: 15q22.31.
Variant type: single nucleotide variant.
Coding change: c.5249A>G on transcript NM_003922.4 (MANE Select); coding-DNA position 5249, A replaced by G.
Protein change: p.Gln1750Arg; replaces glutamine 1750 with arginine.
Molecular consequence: missense variant.
Genome position (GRCh38, 1-based): chr15:63,694,543, T>C on the plus strand (A>G on the coding strand, the complement: HERC1 is on the minus strand). VCF-style: chr15-63694543-T-C. GRCh37 (hg19) VCF-style: chr15-63986742-T-C.
Other names: short protein forms Q1750R.
Identifiers: ClinVar variation 2645438 (VCV002645438.24), dbSNP rs762435271, ClinGen allele CA7605568.

ClinVar aggregate classification (germline): Uncertain significance (1 of 4 stars; one submission).

Allele frequency attached by ClinVar (database versions not stated): gnomAD exomes below 0.00001; ExAC 0.00001.
gnomAD v4.1: 2 of 1,613,646 alleles (0.00012%); highest among the groups gnomAD compares: South Asian, 0.0022%; no homozygotes.

Submission:

CeGaT Center for Human Genetics Tuebingen
Classification: Uncertain significance. Last evaluated: 2023-09-01. Review status: criteria provided, single submitter. Criteria: CeGaT Center For Human Genetics Tuebingen Variant Classification Criteria Version 2. Collection method: clinical testing. Allele origin: germline. Affected: yes. Observed: 1 variant allele.
Comment: HERC1: PM2